The following is an entry in ClinVar:

NM_000231.3(SGCG):c.775_776del (p.Gln259fs)

Gene: SGCG (sarcoglycan gamma; plus strand). Cytogenetic location: 13q12.12.
Variant type: Microsatellite.
Coding change: c.775_776del on transcript NM_000231.3 (MANE Select); coding-DNA positions 775 to 776, 2 bases deleted (CA; older notation c.775_776delCA).
Protein change: p.Gln259fs; shifts the reading frame from glutamine 259.
Molecular consequence: frameshift variant.
Genome position (GRCh38, 1-based): chr13:23,324,440-23,324,441, CA deleted; deleting any 2 consecutive bases within chr13:23,324,438-23,324,441 gives the same sequence; the c. name uses the placement nearest the transcript's 3' end. VCF-style (leftmost placement, unchanged base first): chr13-23324437-TCA-T. GRCh37 (hg19) VCF-style: chr13-23898576-TCA-T.
Other names: c.829_830del, p.Gln277fs (NM_001378244.1); c.775_776del, p.Gln259fs (NM_001378245.1, NM_001378246.1); short protein forms Q259fs, Q277fs.
Identifiers: ClinVar variation 1455016 (VCV001455016.8), dbSNP rs2137534154, ClinGen allele CA2580614613.

ClinVar aggregate classification (germline): Pathogenic (1 of 4 stars; one submission).

Conditions:
Autosomal recessive limb-girdle muscular dystrophy type 2C (LGMDR5). Also called: MUSCULAR DYSTROPHY, DUCHENNE-LIKE; MUSCULAR DYSTROPHY, LIMB-GIRDLE, AUTOSOMAL RECESSIVE 5. Identifiers: Orphanet 353, MedGen C0410173, MONDO:0009677, OMIM 253700. Disease mechanism: Affects gamma-sarcoglycan and also disrupts the integrity of the entire sarcoglycan complex..

Submission:

Labcorp Genetics (formerly Invitae), Labcorp
Classification: Pathogenic for Autosomal recessive limb-girdle muscular dystrophy type 2C. Last evaluated: 2021-06-04. Review status: criteria provided, single submitter. Criteria: Invitae Variant Classification Sherloc (09022015). Collection method: clinical testing. Allele origin: germline.
Comment: For these reasons, this variant has been classified as Pathogenic. This variant results in an extension of the SGCG protein. Other variant(s) that result in a similarly extended protein product (p.Cys267Serfs*51) have been determined to be pathogenic (PMID: 8923014, 24638197). This suggests that these extensions are likely to be causative of disease. This variant has not been reported in the literature in individuals with SGCG-related conditions. This variant is not present in population databases (ExAC no frequency). This sequence change results in a frameshift in the SGCG gene (p.Gln259Glufs*59). While this is not anticipated to result in nonsense mediated decay, it is expected to disrupt the last 33 amino acid(s) of the SGCG protein and extend the protein by 25 additional amino acid residues.

Literature cited by the submitters: PubMed 8923014; PubMed 24638197.